The following is an entry in ClinVar:

ClinVar aggregate classification (germline): Uncertain significance. Review status: criteria provided, multiple submitters, no conflicts (2 of 4 stars). 2 submissions from 2 submitters: Uncertain significance (2). Last evaluated 2024-01-02.

Conditions:
Inborn genetic diseases. Identifiers: MedGen C0950123, MeSH D030342.
Leukocyte adhesion deficiency 1 (LAD1). Also called: LEUKOCYTE ADHESION DEFICIENCY, TYPE I; LAD 1; Lymphocyte function-associated antigen 1 immunodeficiency; LFA 1 immunodeficiency. Identifiers: Orphanet 2968, Orphanet 99842, MedGen C0398738, MONDO:0007293, OMIM 116920.

Allele frequency attached by ClinVar (database versions not stated): gnomAD 0.00001; TOPMed 0.00006.
gnomAD v4.1: 2 of 1,613,298 alleles (0.00012%); highest among the groups gnomAD compares: Admixed American, 0.0017%; no homozygotes.

Submissions (2):

Ambry Genetics
Classification: Uncertain significance for Inborn genetic diseases. Last evaluated: 2024-01-02. Review status: criteria provided, single submitter. Criteria: Ambry Variant Classification Scheme 2023. Collection method: clinical testing. Allele origin: germline.

Labcorp Genetics (formerly Invitae), Labcorp
Classification: Uncertain significance for Leukocyte adhesion deficiency 1. Last evaluated: 2022-08-19. Review status: criteria provided, single submitter. Criteria: Invitae Variant Classification Sherloc (09022015). Collection method: clinical testing. Allele origin: germline.
Comment: This sequence change replaces valine, which is neutral and non-polar, with alanine, which is neutral and non-polar, at codon 524 of the ITGB2 protein (p.Val524Ala). This variant is not present in population databases (gnomAD no frequency). This variant has not been reported in the literature in individuals affected with ITGB2-related conditions. ClinVar contains an entry for this variant (Variation ID: 649467). Algorithms developed to predict the effect of missense changes on protein structure and function (SIFT, PolyPhen-2, Align-GVGD) all suggest that this variant is likely to be tolerated. In summary, the available evidence is currently insufficient to determine the role of this variant in disease. Therefore, it has been classified as a Variant of Uncertain Significance.

NM_000211.5(ITGB2):c.1571T>C (p.Val524Ala)

Gene: ITGB2 (integrin subunit beta 2; minus strand). Cytogenetic location: 21q22.3.
Variant type: single nucleotide variant.
Coding change: c.1571T>C on transcript NM_000211.5 (MANE Select); coding-DNA position 1571, T replaced by C.
Protein change: p.Val524Ala; replaces valine 524 with alanine.
Molecular consequence: missense variant.
Genome position (GRCh38, 1-based): chr21:44,890,064, A>G on the plus strand (T>C on the coding strand, the complement: ITGB2 is on the minus strand). VCF-style: chr21-44890064-A-G. GRCh37 (hg19) VCF-style: chr21-46309979-A-G.
Other names: c.1571T>C (NM_000211.3); c.1571T>C, p.Val524Ala (NM_001127491.3); c.1364T>C, p.Val455Ala (NM_001303238.2); short protein forms V524A, V455A.
Identifiers: ClinVar variation 649467 (VCV000649467.7), dbSNP rs764061135, ClinGen allele CA321894608.